The following is an entry in ClinVar:

NM_000088.4(COL1A1):c.3652G>A (p.Ala1218Thr)

Gene: COL1A1 (collagen type I alpha 1 chain; minus strand). Cytogenetic location: 17q21.33.
Variant type: single nucleotide variant.
Coding change: c.3652G>A on transcript NM_000088.4 (MANE Select); coding-DNA position 3652, G replaced by A.
Protein change: p.Ala1218Thr; replaces alanine 1218 with threonine.
Molecular consequence: missense variant.
Genome position (GRCh38, 1-based): chr17:50,186,802, C>T on the plus strand (G>A on the coding strand, the complement: COL1A1 is on the minus strand). VCF-style: chr17-50186802-C-T. GRCh37 (hg19) VCF-style: chr17-48264163-C-T.
Other names: short protein forms A1218T.
Identifiers: ClinVar variation 853496 (VCV000853496.15), dbSNP rs72656337, ClinGen allele CA291542881.

ClinVar aggregate classification (germline): Pathogenic. Review status: criteria provided, multiple submitters, no conflicts (2 of 4 stars). 4 submissions from 4 submitters: Pathogenic (4). Last evaluated 2025-06-18.

Conditions:
Osteogenesis imperfecta type I (OI1). Also called: OI, TYPE I; OSTEOGENESIS IMPERFECTA TARDA; OSTEOGENESIS IMPERFECTA WITH BLUE SCLERAE; Osteogenesis imperfecta type 1; Lobstein disease; Classic Non-deforming Osteogenesis Imperfecta with Blue Sclerae. Identifiers: Orphanet 216796, Orphanet 666, MedGen C0023931, MONDO:0008146, OMIM 166200. Disease mechanism: loss of function.

Submissions (4):

Clinical Biomedical Laboratory, Shriners Hospital For Children - Canada
Classification: Pathogenic for Osteogenesis imperfecta type I. Last evaluated: 2025-06-18. Review status: criteria provided, single submitter. Criteria: ACMG Guidelines, 2015. Collection method: clinical testing. Allele origin: germline. Affected: yes.
Comment: This variant is predicted to substitute an alanine residue by a threonine residue. This variant is absent from the Genome Aggregation Database (v2.1.1), indicating it is rare. The variant affects the C-propeptide cleavage site of the alpha 1 chain of collagen type I and is expected to lead to high bone mass osteogenesis imperfecta (PMID 29669177). Variants affecting the C-propeptide are a common cause of osteogenesis imperfecta, as they interfere with the association of alpha chains of collagen type I.

Victorian Clinical Genetics Services, Murdoch Childrens Research Institute
Classification: Pathogenic for Osteogenesis imperfecta type I. Last evaluated: 2025-03-03. Review status: criteria provided, single submitter. Criteria: ACMG Guidelines, 2015. Collection method: clinical testing. Allele origin: germline. Affected: yes.
Comment: This variant is classified as Pathogenic. Evidence in support of pathogenic classification: Variant is absent from gnomAD (v2, v3 and v4); This variant has strong previous evidence of pathogenicity in unrelated individuals. This variant has been classified as pathogenic by a clinical laboratory in ClinVar and reported in multiple unrelated individuals in the literature, typically in the context of a high bone mass osteogenesis imperfecta phenotype (PMID: 29669177, 24891183, 28173822, 31447884); This variant has strong evidence for segregation with disease. In multiple unrelated families, this variant has segregated in affected members (PMID: 29669177, 24891183, 28173822); This variant has moderate functional evidence supporting abnormal protein function. This variant resulted in impaired collagen processing in skin fibroblast cultures from affected individuals (PMID: 29669177); Another missense variant comparable to the one identified in this case has limited previous evidence for pathogenicity. p.(Ala1218Pro) has been reported as pathogenic in ClinVar; Variant is located in the well-established functional procollagen C-peptide cleavage site. Residues Ala1218 and Asp1219 form the site at which the collagen C-terminal propeptide is cleaved, and variants affecting these residues result in impaired collagen processing (PMID: 21344539); Strong phenotype match for this individual. Additional information: Variant is predicted to result in a missense amino acid change from alanine to threonine; This variant is heterozygous; This gene is associated with autosomal dominant disease; Alternative amino acid change(s) at the same position are present in gnomAD (Highest allele count: v2: 1 heterozygote(s), 0 homozygote(s)); Missense variant with inconclusive in silico prediction and uninformative conservation; Dominant negative and loss of function are known mechanisms of disease in this gene and are associated with osteogenesis imperfecta types I-IV, and other conditions (OMIM). Variants resulting in a truncated protein are known to have a loss of function effect on protein, while missense variants affecting the G-X-Y triple helix motif have a dominant negative effect (PMID: 27509835, 12362985). Variants affecting the procollagen cleavage site residues result in a unique high bone mass osteogenesis imperfecta phenotype (PMID: 29669177); Variants in this gene are known to have variable expressivity. Phenotypic severity in affected individuals of the same family can vary across generations (PMID: 32166892); Inheritance information for this variant is not currently available in this individual.

3billion
Classification: Pathogenic for Osteogenesis imperfecta type I. Last evaluated: 2024-03-10. Review status: criteria provided, single submitter. Criteria: ACMG Guidelines, 2015. Collection method: clinical testing. Allele origin: germline. Affected: yes.
Comment: The variant is not observed in the gnomAD v2.1.1 dataset. Predicted Consequence/Location: Missense changes are a common disease-causing mechanism. Functional studies provide moderate evidence of the variant having a damaging effect on the gene or gene product (PMID: 29669177). In silico tool predictions suggest damaging effect of the variant on gene or gene product [REVEL: 0.64 (>=0.6, sensitivity 0.68 and specificity 0.92); 3Cnet: 0.55 (>=0.6, sensitivity 0.72 and precision 0.9)]. Same nucleotide change resulting in same amino acid change has been previously reported as pathogenic/likely pathogenic with strong evidence (ClinVar ID: VCV000853496 /PMID: 21344539). Different missense changes at the same codon (p.Ala1218Pro, p.Ala1218Val) have been reported as pathogenic/likely pathogenic with strong evidence (ClinVar ID: VCV000429696, VCV002819030 /PMID: 29669177). Therefore, this variant is classified as Pathogenic according to the recommendation of ACMG/AMP guideline.

Labcorp Genetics (formerly Invitae), Labcorp
Classification: Pathogenic for Osteogenesis imperfecta type I. Last evaluated: 2022-07-25. Review status: criteria provided, single submitter. Criteria: Invitae Variant Classification Sherloc (09022015). Collection method: clinical testing. Allele origin: germline.
Comment: This variant is not present in population databases (gnomAD no frequency). This sequence change replaces alanine, which is neutral and non-polar, with threonine, which is neutral and polar, at codon 1218 of the COL1A1 protein (p.Ala1218Thr). This missense change has been observed in individual(s) with osteogenesis imperfecta (PMID: 24891183, 28173822, 29669177, 31447884). In at least one individual the variant was observed to be de novo. It has also been observed to segregate with disease in related individuals. ClinVar contains an entry for this variant (Variation ID: 853496). Algorithms developed to predict the effect of missense changes on protein structure and function are either unavailable or do not agree on the potential impact of this missense change (SIFT: "Deleterious"; PolyPhen-2: "Benign"; Align-GVGD: "Class C0"). For these reasons, this variant has been classified as Pathogenic.

Literature cited by the submitters: PubMed 29669177 (cited by 4 submitters); PubMed 12362985 (cited by Victorian Clinical Genetics Services, Murdoch Childrens Research Institute); PubMed 21344539 (cited by Victorian Clinical Genetics Services, Murdoch Childrens Research Institute and 3billion); PubMed 27509835 (cited by Victorian Clinical Genetics Services, Murdoch Childrens Research Institute); PubMed 32166892 (cited by Victorian Clinical Genetics Services, Murdoch Childrens Research Institute); PubMed 28173822 (cited by Victorian Clinical Genetics Services, Murdoch Childrens Research Institute and Labcorp Genetics (formerly Invitae), Labcorp); PubMed 24891183 (cited by Victorian Clinical Genetics Services, Murdoch Childrens Research Institute and Labcorp Genetics (formerly Invitae), Labcorp); PubMed 31447884 (cited by Victorian Clinical Genetics Services, Murdoch Childrens Research Institute and Labcorp Genetics (formerly Invitae), Labcorp).